The following is an entry in ClinVar:

ClinVar aggregate classification (germline): Uncertain significance (1 of 4 stars; one submission).

Conditions:
Hepatic veno-occlusive disease-immunodeficiency syndrome. Also called: Hepatic Veno-Occlusive Disease with Immunodeficiency. Identifiers: Orphanet 79124, MedGen C1856128, MONDO:0009338, OMIM 235550. Disease mechanism: loss of function.

Submission:

Labcorp Genetics (formerly Invitae), Labcorp
Classification: Uncertain significance for Hepatic veno-occlusive disease-immunodeficiency syndrome. Last evaluated: 2021-01-14. Review status: criteria provided, single submitter. Criteria: Invitae Variant Classification Sherloc (09022015). Collection method: clinical testing. Allele origin: germline.
Comment: Experimental studies and prediction algorithms are not available or were not evaluated, and the functional significance of this variant is currently unknown. In summary, the available evidence is currently insufficient to determine the role of this variant in disease. Therefore, it has been classified as a Variant of Uncertain Significance. This variant has not been reported in the literature in individuals with SP110-related conditions. The frequency data for this variant in the population databases is not available, as this variant may be reported as separate entries in the ExAC database. This sequence change replaces threonine with serine at codon 551 of the SP110 protein (p.Thr551Ser). The threonine residue is weakly conserved and there is a small physicochemical difference between threonine and serine.

NM_080424.4(SP110):c.1650_1651delinsCT (p.Thr551Ser)

Gene: SP110 (SP110 nuclear body protein; minus strand). Cytogenetic location: 2q37.1.
Variant type: Indel.
Coding change: c.1650_1651delinsCT on transcript NM_080424.4 (MANE Select); coding-DNA positions 1650 to 1651, TA replaced by CT.
Protein change: p.Thr551Ser; replaces threonine 551 with serine.
Molecular consequence: missense variant.
Genome position (GRCh38, 1-based): chr2:230,172,899-230,172,900, TA replaced by AG on the plus strand (TA replaced by CT on the coding strand, the reverse complement: SP110 is on the minus strand). VCF-style: chr2-230172899-TA-AG. GRCh37 (hg19) VCF-style: chr2-231037615-TA-AG.
Other names: c.1668_1669delinsCT, p.Thr557Ser (NM_001378442.1, NM_001378444.1, NM_001378445.1 and 1 more transcripts); c.1650_1651delinsCT, p.Thr551Ser (NM_001378443.1, NM_004509.5); short protein forms T551S, T557S.
Identifiers: ClinVar variation 1516738 (VCV001516738.6), dbSNP rs2106351365, ClinGen allele CA2573135418.